The following is an entry in ClinVar:

NM_194248.3(OTOF):c.5868C>A (p.Tyr1956Ter)

Gene: OTOF (otoferlin; minus strand). Cytogenetic location: 2p23.3.
Variant type: single nucleotide variant.
Coding change: c.5868C>A on transcript NM_194248.3 (MANE Select); coding-DNA position 5868, C replaced by A.
Protein change: p.Tyr1956Ter; replaces tyrosine 1956 with a stop codon.
Molecular consequence: nonsense. On other transcripts: intron variant (2).
Genome position (GRCh38, 1-based): chr2:26,460,151, G>T on the plus strand (C>A on the coding strand, the complement: OTOF is on the minus strand). VCF-style: chr2-26460151-G-T. GRCh37 (hg19) VCF-style: chr2-26683019-G-T.
Other names: c.3567C>A, p.Tyr1189Ter (NM_004802.4); c.3798C>A, p.Tyr1266Ter (NM_194322.3); c.5813+496C>A (NM_001287489.2); c.3512+496C>A (NM_194323.3); short protein forms Y1266*, Y1189*, Y1956*.
Identifiers: ClinVar variation 2860764 (VCV002860764.3), dbSNP rs727504937, ClinGen allele CA346127824.

ClinVar aggregate classification (germline): Pathogenic (1 of 4 stars; one submission).

Allele frequency attached by ClinVar (database versions not stated): gnomAD 0.00001; TOPMed 0.00002.
gnomAD v4.1: 14 of 1,603,324 alleles (0.00087%); highest among the groups gnomAD compares: African/African-American, 0.0013%; no homozygotes.

Submission:

Labcorp Genetics (formerly Invitae), Labcorp
Classification: Pathogenic. Last evaluated: 2023-04-30. Review status: criteria provided, single submitter. Criteria: Invitae Variant Classification Sherloc (09022015). Collection method: clinical testing. Allele origin: germline.
Comment: For these reasons, this variant has been classified as Pathogenic. Algorithms developed to predict the effect of sequence changes on RNA splicing suggest that this variant may disrupt the consensus splice site. This variant has not been reported in the literature in individuals affected with OTOF-related conditions. This variant is not present in population databases (gnomAD no frequency). This sequence change creates a premature translational stop signal (p.Tyr1956*) in the OTOF gene. It is expected to result in an absent or disrupted protein product. Loss-of-function variants in OTOF are known to be pathogenic (PMID: 18381613, 19250381, 22575033).

Literature cited by the submitters: PubMed 18381613; PubMed 19250381; PubMed 22575033.